The following is an entry in ClinVar:

ClinVar aggregate classification (germline): Uncertain significance (1 of 4 stars; one submission).

Submission:

Labcorp Genetics (formerly Invitae), Labcorp
Classification: Uncertain significance. Last evaluated: 2022-12-18. Review status: criteria provided, single submitter. Criteria: Invitae Variant Classification Sherloc (09022015). Collection method: clinical testing. Allele origin: germline.
Comment: In summary, the available evidence is currently insufficient to determine the role of this variant in disease. Therefore, it has been classified as a Variant of Uncertain Significance. Advanced modeling of protein sequence and biophysical properties (such as structural, functional, and spatial information, amino acid conservation, physicochemical variation, residue mobility, and thermodynamic stability) has been performed at Invitae for this missense variant, however the output from this modeling did not meet the statistical confidence thresholds required to predict the impact of this variant on ITGB3 protein function. This variant has not been reported in the literature in individuals affected with ITGB3-related conditions. This variant is not present in population databases (gnomAD no frequency). This sequence change replaces glycine, which is neutral and non-polar, with arginine, which is basic and polar, at codon 414 of the ITGB3 protein (p.Gly414Arg).

NM_000212.3(ITGB3):c.1240G>C (p.Gly414Arg)

Gene: ITGB3 (integrin subunit beta 3; plus strand). Cytogenetic location: 17q21.32.
Variant type: single nucleotide variant.
Coding change: c.1240G>C on transcript NM_000212.3 (MANE Select); coding-DNA position 1240, G replaced by C.
Protein change: p.Gly414Arg; replaces glycine 414 with arginine.
Molecular consequence: missense variant.
Genome position (GRCh38, 1-based): chr17:47,291,068, G>C. VCF-style: chr17-47291068-G-C. GRCh37 (hg19) VCF-style: chr17-45368434-G-C.
Other names: short protein forms G414R.
Identifiers: ClinVar variation 2821908 (VCV002821908.3), dbSNP rs2547618450, ClinGen allele CA400027943.
Genomic context (GRCh38, chr17:47,291,068, plus strand): 5'-CTATCCTTCAATGCCACCTGCCTCAACAATGAGGTCATCCCTGGCCTCAAGTCTTGTATG[G>C]GACTCAAGATTGGAGACACGGTGAGGTGGGCTGGGCAGGGCCTTTGTCCTGGAGCATCTG-3'
Protein context (NP_000203.2, residues 404-424): EVIPGLKSCM[Gly414Arg]LKIGDTVSFS